The following is an entry in ClinVar:

ClinVar aggregate classification (germline): Uncertain significance (1 of 4 stars; one submission).

Conditions:
Brugada syndrome. Also called: Sudden unexpected nocturnal death syndrome; Sudden unexplained nocturnal death syndrome; Sudden Unexplained Death Syndrome; Sudden Unexplained Nocturnal Death Syndrome (SUNDS). Identifiers: Orphanet 130, MedGen C1142166, MONDO:0015263.

Submission:

Labcorp Genetics (formerly Invitae), Labcorp
Classification: Uncertain significance for Brugada syndrome. Last evaluated: 2024-12-05. Review status: criteria provided, single submitter. Criteria: Invitae Variant Classification Sherloc (09022015). Collection method: clinical testing. Allele origin: germline.
Comment: This sequence change replaces arginine, which is basic and polar, with glycine, which is neutral and non-polar, at codon 551 of the SCN10A protein (p.Arg551Gly). This variant is not present in population databases (gnomAD no frequency). This variant has not been reported in the literature in individuals affected with SCN10A-related conditions. Invitae Evidence Modeling of protein sequence and biophysical properties (such as structural, functional, and spatial information, amino acid conservation, physicochemical variation, residue mobility, and thermodynamic stability) indicates that this missense variant is not expected to disrupt SCN10A protein function with a negative predictive value of 95%. In summary, the available evidence is currently insufficient to determine the role of this variant in disease. Therefore, it has been classified as a Variant of Uncertain Significance.

NM_006514.4(SCN10A):c.1651A>G (p.Arg551Gly)

Gene: SCN10A (sodium voltage-gated channel alpha subunit 10; minus strand). Cytogenetic location: 3p22.2.
Variant type: single nucleotide variant.
Coding change: c.1651A>G on transcript NM_006514.4 (MANE Select); coding-DNA position 1651, A replaced by G.
Protein change: p.Arg551Gly; replaces arginine 551 with glycine.
Molecular consequence: missense variant. On other transcripts: intron variant (1).
Genome position (GRCh38, 1-based): chr3:38,752,323, T>C on the plus strand (A>G on the coding strand, the complement: SCN10A is on the minus strand). VCF-style: chr3-38752323-T-C. GRCh37 (hg19) VCF-style: chr3-38793814-T-C.
Other names: c.1651A>G, p.Arg551Gly (NM_001293306.2); c.1462-2139A>G (NM_001293307.2); short protein forms R551G.
Identifiers: ClinVar variation 3709921 (VCV003709921.2).